The following is an entry in ClinVar:

NM_001846.4(COL4A2):c.2095+5T>C

Gene: COL4A2 (collagen type IV alpha 2 chain; plus strand). Cytogenetic location: 13q34.
Variant type: single nucleotide variant.
Coding change: c.2095+5T>C on transcript NM_001846.4 (MANE Select); 5 bases into the intron after coding-DNA position 2095, T replaced by C.
Molecular consequence: intron variant.
Genome position (GRCh38, 1-based): chr13:110,467,101, T>C. VCF-style: chr13-110467101-T-C. GRCh37 (hg19) VCF-style: chr13-111119448-T-C.
Identifiers: ClinVar variation 883560 (VCV000883560.7), dbSNP rs376823280, ClinGen allele CA7049818.

ClinVar aggregate classification (germline): Conflicting classifications of pathogenicity. Review status: criteria provided, conflicting classifications (1 of 4 stars). 2 submissions from 2 submitters: Uncertain significance (1); Likely benign (1). Last evaluated 2025-02-10.

Conditions:
Brain small vessel disease 2A, autosomal dominant. Also called: Porencephaly 2. Identifiers: Orphanet 2940, Orphanet 99810, MedGen C3280970, MONDO:0013773, OMIM 614483.

Allele frequency attached by ClinVar (database versions not stated): TOPMed below 0.00001; gnomAD exomes 0.00001; ExAC 0.00002; ESP Exome Variant Server 0.00008.
gnomAD v4.1: 4 of 1,614,006 alleles (0.00025%); highest among the groups gnomAD compares: Admixed American, 0.0017%; no homozygotes.

Submissions (2):

Labcorp Genetics (formerly Invitae), Labcorp
Classification: Uncertain significance. Last evaluated: 2025-02-10. Review status: criteria provided, single submitter. Criteria: Invitae Variant Classification Sherloc (09022015). Collection method: clinical testing. Allele origin: germline.
Comment: This sequence change falls in intron 27 of the COL4A2 gene. It does not directly change the encoded amino acid sequence of the COL4A2 protein. It affects a nucleotide within the consensus splice site. This variant is present in population databases (rs376823280, gnomAD 0.004%). This variant has not been reported in the literature in individuals affected with COL4A2-related conditions. ClinVar contains an entry for this variant (Variation ID: 883560). Variants that disrupt the consensus splice site are a relatively common cause of aberrant splicing (PMID: 17576681, 9536098). Algorithms developed to predict the effect of sequence changes on RNA splicing suggest that this variant is not likely to affect RNA splicing. In summary, the available evidence is currently insufficient to determine the role of this variant in disease. Therefore, it has been classified as a Variant of Uncertain Significance.

Illumina Laboratory Services, Illumina
Classification: Likely benign for Brain small vessel disease 2A, autosomal dominant. Last evaluated: 2018-01-12. Review status: criteria provided, single submitter. Criteria: ICSL Variant Classification Criteria 13 December 2019. Collection method: clinical testing. Allele origin: germline.
Comment: This variant was observed in the ICSL laboratory as part of a predisposition screen in an ostensibly healthy population. It had not been previously curated by ICSL or reported in the Human Gene Mutation Database (HGMD: prior to June 1st, 2018), and was therefore a candidate for classification through an automated scoring system. Utilizing variant allele frequency, disease prevalence and penetrance estimates, and inheritance mode, an automated score was calculated to assess if this variant is too frequent to cause the disease. Based on the score and internal cut-off values, a variant classified as likely benign is not then subjected to further curation. The score for this variant resulted in a classification of likely benign for this disease.

Literature cited by the submitters: PubMed 17576681 (cited by Labcorp Genetics (formerly Invitae), Labcorp); PubMed 9536098 (cited by Labcorp Genetics (formerly Invitae), Labcorp).